The following is an entry in ClinVar:

NM_000939.4(POMC):c.327G>T (p.Ala109=)

Gene: POMC (proopiomelanocortin; minus strand). Cytogenetic location: 2p23.3.
Variant type: single nucleotide variant.
Coding change: c.327G>T on transcript NM_000939.4 (MANE Select); coding-DNA position 327, G replaced by T.
Protein change: p.Ala109=; no amino-acid change (alanine 109 retained).
Molecular consequence: synonymous variant.
Genome position (GRCh38, 1-based): chr2:25,161,558, C>A on the plus strand (G>T on the coding strand, the complement: POMC is on the minus strand). VCF-style: chr2-25161558-C-A. GRCh37 (hg19) VCF-style: chr2-25384427-C-A.
Other names: c.327G>T, p.Ala109= (NM_001035256.3, NM_001319204.2, NM_001319205.2).
Identifiers: ClinVar variation 3356162 (VCV003356162.1).

ClinVar aggregate classification (germline): Likely benign (0 of 4 stars; one submission).

Conditions:
POMC-related disorder. Also called: POMC-related disorders; POMC-related condition.

Submission:

PreventionGenetics, part of Exact Sciences
Classification: Likely benign for POMC-related condition. Last evaluated: 2023-03-31. Review status: no assertion criteria provided. Collection method: clinical testing. Allele origin: germline.
Comment: This variant is classified as likely benign based on ACMG/AMP sequence variant interpretation guidelines (Richards et al. 2015 PMID: 25741868, with internal and published modifications).